The following is an entry in ClinVar:

NM_007294.4(BRCA1):c.5145C>A (p.Ser1715Arg)

Gene: BRCA1 (BRCA1 DNA repair associated; minus strand). Cytogenetic location: 17q21.31.
Variant type: single nucleotide variant.
Coding change: c.5145C>A on transcript NM_007294.4 (MANE Select); coding-DNA position 5145, C replaced by A.
Protein change: p.Ser1715Arg; replaces serine 1715 with arginine.
Molecular consequence: missense variant. On other transcripts: non-coding transcript variant (1).
Genome position (GRCh38, 1-based): chr17:43,063,881, G>T on the plus strand (C>A on the coding strand, the complement: BRCA1 is on the minus strand). VCF-style: chr17-43063881-G-T. GRCh37 (hg19) VCF-style: chr17-41215898-G-T.
Other names: c.5061C>A, p.Ser1687Arg (NM_001407661.1, NM_001407662.1, NM_001407663.1 and 2 more transcripts); c.5022C>A, p.Ser1674Arg (NM_001407664.1, NM_001407665.1, NM_001407666.1 and 6 more transcripts); c.5019C>A, p.Ser1673Arg (NM_001407670.1, NM_001407680.1, NM_001407939.1 and 10 more transcripts); c.5205C>A, p.Ser1735Arg (NM_001407590.1, NM_001407591.1); c.5145C>A, p.Ser1715Arg (NM_001407593.1, NM_001407594.1, NM_001407596.1 and 7 more transcripts); c.5142C>A, p.Ser1714Arg (NM_001407619.1, NM_001407620.1, NM_001407621.1 and 17 more transcripts); c.5139C>A, p.Ser1713Arg (NM_001407627.1, NM_001407628.1, NM_001407638.1 and 14 more transcripts); c.5136C>A, p.Ser1712Arg (NM_001407644.1, NM_001407645.1); and 71 more; short protein forms S1715R, S1736R, S1668R, S611R, S1418R, S1603R, S1625R, S1626R.
Identifiers: ClinVar variation 55417 (VCV000055417.6), dbSNP rs80357094, ClinGen allele CA003267.
Genomic context (GRCh38, chr17:43,063,881, plus strand): 5'-AATGCAATTCTGAGGTGTTAAAGGGAGGAGGGGAGAAATAGTATTATACTTACAGAAATA[G>T]CTAACTACCCATTTTCCTCCCGCAATTCCTAGAAAATATTTCAGTGTCCGTTCACACACA-3'
Protein context (NP_009225.1, residues 1705-1725): LGIAGGKWVV[Ser1715Arg]YFWVTQSIKE

ClinVar aggregate classification (germline): Likely pathogenic. Review status: criteria provided, single submitter (1 of 4 stars). 2 submissions from 2 submitters: Likely pathogenic (1). 1 of the submissions does not count toward it. Last evaluated 2024-04-12.

Conditions:
Breast-ovarian cancer, familial, susceptibility to, 1 (BROVCA1). Also called: BRCA1 Hereditary Breast and Ovarian Cancer; OVARIAN CANCER, SUSCEPTIBILITY TO. Identifiers: Orphanet 145, MedGen C2676676, MONDO:0011450, OMIM 604370. Disease mechanism: loss of function.

Submissions (3):

Lupski Lab, Baylor-Hopkins CMG, Baylor College of Medicine
Classification: Likely pathogenic for Breast-ovarian cancer, familial, susceptibility to, 1. Last evaluated: 2024-04-12. Review status: criteria provided, single submitter. Criteria: Dawood et al. (medRxiv. 2024). Collection method: curation. Allele origin: germline.
Comment: Each variant was annotated with functional scores from MAVE data which was translated into functional evidence codes. All other evidence codes and combining criteria were adhered to as closely as possible based on the ClinGen VCEP (Variant Curation Expert Panel) gene-specific recommendations. See Supplemental Figure 34 of final paper (Supp Fig. 28 in preprint: doi:10.1101/2024.04.11.24305690) for a table to see which lines of evidence we did not have data for. The ClinGen VCEPs are highly regarded as the gold-standard for gene-specific variant curation and are developed after extensive evaluation of the evidence by clinical and scientific experts for the particular gene to classify genomic variants on a spectrum from pathogenic to benign using the 2015 ACMG/AMP Variant Interpretation Guidelines as a backbone (PMID: 25741868). Reclassification of these VUS variants from gnomAD or All of Us focused only on variants originally prescribed as VUS in ClinVar. To ensure reproducibility, transparency, and increased throughput, all the procedures for annotating variants and assigning evidence codes were codified using Python. All code has been made freely available and is linked in the Code Availability section and all reclassified variants with evidence codes used can be found in Tables S18-19 (preprint: doi:10.1101/2024.04.11.24305690). For the MAVE data, the clinical curation and clinical strength assignment as per the ClinGen recommendations in Brnich et al. (2020) (PMID: 31892348) for or against pathogenicity or benignity of each of these MAVE datasets utilized in this study were previously published in Fayer et al. (2021) (PMID: 34793697).In brief, for BRCA1 variants, if a variant was categorized as FUNC (functional), it was assigned BS3 evidence and no PS3 evidence, whereas if it was categorized as LOF (loss of function), the variant was assigned PS3 evidence and no BS3 evidence. Variants categorized as INT (intermediate) were left unannotated. For the BRCA1 combining criteria, greater than or equal to 1 criteria of strong benign evidence was enough to reclassify the VUS as Likely Benign. This variant GRCh38:17:43063881:G>T was assigned evidence codes ['PS3', 'PP3', 'PM2_Supporting'] and an overall classification of Likely pathogenic

Breast Cancer Information Core (BIC) (BRCA1)
Classification: Uncertain significance for Breast-ovarian cancer, familial 1. Last evaluated: 2002-05-29. Review status: no assertion criteria provided. Collection method: clinical testing. Allele origin: germline. Affected: yes. Observed: 2 variant alleles. Not counted in ClinVar's aggregate classification.

Brotman Baty Institute, University of Washington
No classification provided (evidence only). Condition: Breast-ovarian cancer, familial 1. Review status: no classification provided. Collection method: in vitro. Allele origin: not applicable. Functional consequence: functionally_abnormal. Not counted in ClinVar's aggregate classification.
ClinVar note: "not provided" was previously submitted as the classification for the variant. However, the classification appeared to be based only on an observation of functional data so it was converted to no classification on 2025-07-30.

Literature cited by the submitters: PubMed 39142283 (cited by Lupski Lab, Baylor-Hopkins CMG, Baylor College of Medicine); PubMed 34793697 (cited by Lupski Lab, Baylor-Hopkins CMG, Baylor College of Medicine); DOI 10.1101/2024.04.11.24305690 (cited by Lupski Lab, Baylor-Hopkins CMG, Baylor College of Medicine).